The following is an entry in ClinVar:

ClinVar aggregate classification (germline): Conflicting classifications of pathogenicity. Review status: criteria provided, conflicting classifications (1 of 4 stars). 7 submissions from 4 submitters: Uncertain significance (4); Likely benign (3). Last evaluated 2026-05-13.

Conditions:
Neurofibromatosis, type 1 (NF1). Also called: VON RECKLINGHAUSEN DISEASE; NEUROFIBROMATOSIS, TYPE I, SOMATIC; Neurofibromatosis, type I; Peripheral type neurofibromatosis. Identifiers: Orphanet 636, MedGen C0027831, MONDO:0018975, OMIM 162200. Disease mechanism: loss of function.
Neurofibromatosis-Noonan syndrome (NFNS). Also called: NEUROFIBROMATOSIS WITH NOONAN PHENOTYPE. Identifiers: Orphanet 638, MedGen C2931482, MONDO:0011035, OMIM 601321. Disease mechanism: loss of function.
Café-au-lait macules with pulmonary stenosis (WTSN). Also called: PULMONIC STENOSIS WITH CAFE-AU-LAIT SPOTS. Identifiers: MedGen C0553586, MONDO:0008672, OMIM 193520.
Neurofibromatosis, familial spinal (FSNF). Identifiers: Orphanet 636, MedGen C1834235, MONDO:0008078, OMIM 162210. Disease mechanism: loss of function.

Allele frequency attached by ClinVar (database versions not stated): ExAC 0.00003; gnomAD 0.00003 and 0.00002; TOPMed 0.00003; gnomAD exomes 0.00002; ESP Exome Variant Server 0.00008.
gnomAD v4.1: 35 of 1,608,744 alleles (0.0022%); highest among the groups gnomAD compares: Non-Finnish European, 0.0029%; no homozygotes.

Submissions (7):

Myriad Genetics, Inc.
Classification: Likely benign for Neurofibromatosis, type 1. Last evaluated: 2026-05-13. Review status: criteria provided, single submitter. Criteria: Myriad Autosomal Dominant, Autosomal Recessive and X-Linked Classification Criteria (2023). Collection method: clinical testing. Allele origin: unknown.
Comment: This variant is considered likely benign. This variant is intronic and is not expected to impact mRNA splicing.

Labcorp Genetics (formerly Invitae), Labcorp
Classification: Likely benign for Neurofibromatosis, type 1. Last evaluated: 2026-01-19. Review status: criteria provided, single submitter. Criteria: Invitae Variant Classification Sherloc (09022015). Collection method: clinical testing. Allele origin: germline.

Illumina Laboratory Services, Illumina
Classification: Uncertain significance for Café-au-lait macules with pulmonary stenosis. Last evaluated: 2018-01-13. Review status: criteria provided, single submitter. Criteria: ICSL Variant Classification Criteria 13 December 2019. Collection method: clinical testing. Allele origin: germline.

Illumina Laboratory Services, Illumina
Classification: Uncertain significance for Neurofibromatosis, type 1. Last evaluated: 2018-01-13. Review status: criteria provided, single submitter. Criteria: ICSL Variant Classification Criteria 13 December 2019. Collection method: clinical testing. Allele origin: germline.

Illumina Laboratory Services, Illumina
Classification: Uncertain significance for Neurofibromatosis-Noonan syndrome. Last evaluated: 2018-01-13. Review status: criteria provided, single submitter. Criteria: ICSL Variant Classification Criteria 13 December 2019. Collection method: clinical testing. Allele origin: germline.

Illumina Laboratory Services, Illumina
Classification: Uncertain significance for Neurofibromatosis, familial spinal. Last evaluated: 2018-01-13. Review status: criteria provided, single submitter. Criteria: ICSL Variant Classification Criteria 13 December 2019. Collection method: clinical testing. Allele origin: germline.

PreventionGenetics, part of Exact Sciences
Classification: Likely benign. Last evaluated: 2017-12-11. Review status: criteria provided, single submitter. Criteria: ACMG Guidelines, 2015. Collection method: clinical testing. Allele origin: germline.

NM_001042492.3(NF1):c.7457+8G>T

Gene: NF1 (neurofibromin 1; plus strand). Cytogenetic location: 17q11.2.
Variant type: single nucleotide variant.
Coding change: c.7457+8G>T on transcript NM_001042492.3 (MANE Select); 8 bases into the intron after coding-DNA position 7457, G replaced by T.
Molecular consequence: intron variant.
Genome position (GRCh38, 1-based): chr17:31,350,326, G>T. VCF-style: chr17-31350326-G-T. GRCh37 (hg19) VCF-style: chr17-29677344-G-T.
Other names: c.7394+8G>T (NM_000267.4).
Identifiers: ClinVar variation 412998 (VCV000412998.17), dbSNP rs376147282, ClinGen allele CA8487574.